The following is an entry in ClinVar:

ClinVar aggregate classification (germline): Uncertain significance (1 of 4 stars; one submission).

Conditions:
Inborn genetic diseases. Identifiers: MedGen C0950123, MeSH D030342.

gnomAD v4.1: 1 of 1,564,024 alleles (0.000064%); highest among the groups gnomAD compares: Admixed American, 0.0019%; no homozygotes.

Submission:

Ambry Genetics
Classification: Uncertain significance for Inborn genetic diseases. Last evaluated: 2025-10-01. Review status: criteria provided, single submitter. Criteria: Ambry Variant Classification Scheme 2023. Collection method: clinical testing. Allele origin: germline.
Comment: The p.Q397H variant (also known as c.1191A>C), located in coding exon 8 of the RUNX1 gene, results from an A to C substitution at nucleotide position 1191. The glutamine at codon 397 is replaced by histidine, an amino acid with highly similar properties. This amino acid position is conserved. In addition, the in silico prediction for this alteration is inconclusive. Based on the available evidence, the clinical significance of this variant remains unclear.

NM_001754.5(RUNX1):c.1191A>C (p.Gln397His)

Gene: RUNX1 (RUNX family transcription factor 1; minus strand). Cytogenetic location: 21q22.12.
Variant type: single nucleotide variant.
Coding change: c.1191A>C on transcript NM_001754.5 (MANE Select); coding-DNA position 1191, A replaced by C.
Protein change: p.Gln397His; replaces glutamine 397 with histidine.
Molecular consequence: missense variant.
Genome position (GRCh38, 1-based): chr21:34,792,387, T>G on the plus strand (A>C on the coding strand, the complement: RUNX1 is on the minus strand). VCF-style: chr21-34792387-T-G. GRCh37 (hg19) VCF-style: chr21-36164684-T-G.
Other names: c.1110A>C, p.Gln370His (NM_001001890.3); short protein forms Q370H, Q397H.
Identifiers: ClinVar variation 4629695 (VCV004629695.1).